The following is an entry in ClinVar:

NM_000548.5(TSC2):c.4849+3A>T

Gene: TSC2 (TSC complex subunit 2; plus strand). Cytogenetic location: 16p13.3.
Variant type: single nucleotide variant.
Coding change: c.4849+3A>T on transcript NM_000548.5 (MANE Select); 3 bases into the intron after coding-DNA position 4849, A replaced by T.
Molecular consequence: intron variant.
Genome position (GRCh38, 1-based): chr16:2,086,382, A>T. VCF-style: chr16-2086382-A-T. GRCh37 (hg19) VCF-style: chr16-2136383-A-T.
Other names: c.4780+3A>T (NM_001114382.3); c.4720+3A>T (NM_021055.3, NM_001370405.1); c.4651+3A>T (NM_001363528.2); c.4717+3A>T (NM_001370404.1); c.4648+3A>T (NM_001077183.3); c.4540+3A>T (NM_001318827.2); c.4117+3A>T (NM_001318831.2); c.4504+3A>T (NM_001318829.2); and 1 more.
Identifiers: ClinVar variation 950971 (VCV000950971.8), dbSNP rs1057521378, ClinGen allele CA973768894.

ClinVar aggregate classification (germline): Uncertain significance. Review status: criteria provided, multiple submitters, no conflicts (2 of 4 stars). 2 submissions from 2 submitters: Uncertain significance (2). Last evaluated 2025-10-29.

Conditions:
Hereditary cancer-predisposing syndrome. Also called: Hereditary neoplastic syndrome; Tumor predisposition; Neoplastic Syndromes, Hereditary; Hereditary Cancer Syndrome. Identifiers: Orphanet 140162, MedGen C0027672, MeSH D009386, MONDO:0015356.
Tuberous sclerosis 2 (TSC2). Identifiers: Orphanet 805, MedGen C1860707, MONDO:0013199, OMIM 613254.

Allele frequency attached by ClinVar (database versions not stated): TOPMed below 0.00001; gnomAD 0.00001.
gnomAD v4.1: 2 of 1,611,990 alleles (0.00012%); highest among the groups gnomAD compares: Non-Finnish European, 0.00017%; no homozygotes.

Submissions (2):

Ambry Genetics
Classification: Uncertain significance for Hereditary cancer-predisposing syndrome. Last evaluated: 2025-10-29. Review status: criteria provided, single submitter. Criteria: Ambry Variant Classification Scheme 2023. Collection method: clinical testing. Allele origin: germline.
Comment: The c.4849+3A>T intronic variant results from an A to T substitution 3 nucleotides after coding exon 36 in the TSC2 gene. This nucleotide position is not well conserved in available vertebrate species. In silico splice site analysis for this alteration is inconclusive. Based on the available evidence, the clinical significance of this variant remains unclear.

Labcorp Genetics (formerly Invitae), Labcorp
Classification: Uncertain significance for Tuberous sclerosis 2. Last evaluated: 2021-05-10. Review status: criteria provided, single submitter. Criteria: Invitae Variant Classification Sherloc (09022015). Collection method: clinical testing. Allele origin: germline.
Comment: This variant has not been reported in the literature in individuals with TSC2-related conditions. This sequence change falls in intron 37 of the TSC2 gene. It does not directly change the encoded amino acid sequence of the TSC2 protein, but it affects a nucleotide within the consensus splice site of the intron. This variant is not present in population databases (ExAC no frequency). Nucleotide substitutions within the consensus splice site are a relatively common cause of aberrant splicing (PMID: 17576681, 9536098). Algorithms developed to predict the effect of sequence changes on RNA splicing suggest that this variant may disrupt the consensus splice site, but this prediction has not been confirmed by published transcriptional studies. In summary, the available evidence is currently insufficient to determine the role of this variant in disease. Therefore, it has been classified as a Variant of Uncertain Significance.

Literature cited by the submitters: PubMed 17576681 (cited by Labcorp Genetics (formerly Invitae), Labcorp); PubMed 9536098 (cited by Labcorp Genetics (formerly Invitae), Labcorp).